The following is an entry in ClinVar:

NM_182931.3(KMT2E):c.2170C>T (p.Pro724Ser)

Gene: KMT2E (lysine methyltransferase 2E (inactive); plus strand). Cytogenetic location: 7q22.3.
Variant type: single nucleotide variant.
Coding change: c.2170C>T on transcript NM_182931.3 (MANE Select); coding-DNA position 2170, C replaced by T.
Protein change: p.Pro724Ser; replaces proline 724 with serine.
Molecular consequence: missense variant.
Genome position (GRCh38, 1-based): chr7:105,102,168, C>T. VCF-style: chr7-105102168-C-T. GRCh37 (hg19) VCF-style: chr7-104742615-C-T.
Other names: c.2170C>T, p.Pro724Ser (NM_001410908.1, NM_018682.4); short protein forms P724S.
Identifiers: ClinVar variation 2104151 (VCV002104151.5), dbSNP rs766981, ClinGen allele CA164014681.

ClinVar aggregate classification (germline): Uncertain significance. Review status: criteria provided, multiple submitters, no conflicts (2 of 4 stars). 2 submissions from 2 submitters: Uncertain significance (2). Last evaluated 2023-03-02.

Allele frequency attached by ClinVar (database versions not stated): TOPMed 0.00001.
gnomAD v4.1: 20 of 1,609,080 alleles (0.0012%); highest among the groups gnomAD compares: Non-Finnish European, 0.0017%; no homozygotes.

Submissions (2):

Greenwood Genetic Center Diagnostic Laboratories, Greenwood Genetic Center
Classification: Uncertain significance. Last evaluated: 2023-03-02. Review status: criteria provided, single submitter. Criteria: ACMG Guidelines, 2015. Collection method: clinical testing. Allele origin: germline. Affected: yes.
Comment: PM2

Labcorp Genetics (formerly Invitae), Labcorp
Classification: Uncertain significance. Last evaluated: 2022-08-01. Review status: criteria provided, single submitter. Criteria: Invitae Variant Classification Sherloc (09022015). Collection method: clinical testing. Allele origin: germline.
Comment: This sequence change replaces proline, which is neutral and non-polar, with serine, which is neutral and polar, at codon 724 of the KMT2E protein (p.Pro724Ser). This variant is present in population databases (rs766981, gnomAD 0.0009%). This variant has not been reported in the literature in individuals affected with KMT2E-related conditions. Algorithms developed to predict the effect of missense changes on protein structure and function output the following: SIFT: "Tolerated"; PolyPhen-2: "Possibly Damaging"; Align-GVGD: "Class C0". The serine amino acid residue is found in multiple mammalian species, which suggests that this missense change does not adversely affect protein function. In summary, the available evidence is currently insufficient to determine the role of this variant in disease. Therefore, it has been classified as a Variant of Uncertain Significance.